The following is an entry in ClinVar:

NM_000203.5(IDUA):c.1614del (p.His539fs)

Gene: IDUA (alpha-L-iduronidase; plus strand). Cytogenetic location: 4p16.3.
Variant type: Deletion.
Coding change: c.1614del on transcript NM_000203.5 (MANE Select); coding-DNA position 1614, one base deleted (G; older notation c.1614delG).
Protein change: p.His539fs; shifts the reading frame from histidine 539.
Molecular consequence: frameshift variant. On other transcripts: non-coding transcript variant (1).
Genome position (GRCh38, 1-based): chr4:1,003,434, G deleted. VCF-style (leftmost placement, unchanged base first): chr4-1003433-TG-T. GRCh37 (hg19) VCF-style: chr4-997221-TG-T.
Other names: NM_000203.5(IDUA):c.1614del; p.His539fs; c.1218del, p.His407fs (NM_001363576.1); c.1614delG (NM_000203.4); short protein forms H539fs, H407fs.
Identifiers: ClinVar variation 167191 (VCV000167191.30), dbSNP rs727503967, ClinGen allele CA234129.

ClinVar aggregate classification (germline): Pathogenic. Review status: reviewed by expert panel (3 of 4 stars). 10 submissions from 10 submitters: Pathogenic (1). 9 of the submissions do not count toward it. Last evaluated 2024-12-05.

Conditions:
Mucopolysaccharidosis type 1. Also called: IDUA deficiency; MPS I; Mucopolysaccharidosis Type I. Identifiers: Orphanet 579, MedGen C0023786, MONDO:0001586.
Hurler syndrome. Also called: Severe MPS I (Hurler Syndrome); MUCOPOLYSACCHARIDOSIS TYPE IH; Gargoylism, Hurler Syndrome. Identifiers: Orphanet 93473, MedGen C0086795, MONDO:0011758, OMIM 607014.
Mucopolysaccharidosis, MPS-I-H/S. Also called: Mucopolysaccharidosis type IH/S. Identifiers: Orphanet 93476, MedGen C0086431, MONDO:0011759, OMIM 607015.
Mucopolysaccharidosis, MPS-I-S. Also called: MUCOPOLYSACCHARIDOSIS TYPE IS; MPS V; MUCOPOLYSACCHARIDOSIS TYPE V; Scheie Syndrome. Identifiers: Orphanet 93474, MedGen C0026708, MONDO:0011760, OMIM 607016.

Allele frequency attached by ClinVar (database versions not stated): gnomAD exomes 0.00001; TOPMed 0.00002; ExAC 0.00008; ESP Exome Variant Server 0.00018; gnomAD 0.00003.

Submissions (10):

ClinGen Lysosomal Storage Disorder Variant Curation Expert Panel
Classification: Pathogenic for Mucopolysaccharidosis type 1. Last evaluated: 2024-12-05. Review status: reviewed by expert panel. Criteria: ClinGen LSD ACMG Specifications IDUA V1.0.0. Collection method: curation. Allele origin: germline. Inheritance: Autosomal recessive inheritance.
Comment: The NM_000203.5:c.1614del (p.His539ThrfsTer21) variant in IDUA is a frameshift variant predicted to cause a premature stop codon in biologically relevant exon 11/20 leading to nonsense mediated decay in a gene in which loss-of-function is an established disease mechanism (PVS1). This variant has been detected in at least 4 individuals with MPS I, with documented IDUA deficiency within the affected range in leukocytes (PMID: 8213840, 15300847, 19396826, 35141277) and/or clinical features specific to MPS I including short stature, joint stiffness, progressive developmental decline, severe hepatosplenomegaly, systolic murmur, mitral valve defects, umbilical hernia, hirsutism, large tongue, corneal clouding (PMID: 15300847, 19396826) (PP4). Of these individuals, at least 3 were compound heterozygous for the variant and another variant in IDUA, phase unconfirmed, that has been classified as pathogenic by the ClinGen LD VCEP including c.208C>T (p.Gln70Ter) (ClinVar Variation ID: 11909) (PMID: 8213840, 15300847, 35141277, 2 or 3 patients; max 2 x 0.5 points), and c.1205G>A (p.Trp402Ter) (ClinVar Variation ID: 11908) (PMID: 25614311, 0.5 points). The allelic data from this patient will be used in the classification of c.1650+5G>A and is not included here to avoid circular logic. Total 1.5 points (PM3). The highest population minor allele frequency in gnomAD v4.1.0. is 0.000001741 (2/1148676 alleles) in the NFE population, which is lower than the ClinGen Lysosomal Diseases VCEP’s threshold for PM2_Supporting (<0.00025), meeting this criterion (PM2_Supporting). There is a ClinVar entry for this variant (Variation ID: 167191). In summary, this variant meets the criteria to be classified as Pathogenic for MPS I based on the IDUA-specific ACMG/AMP criteria applied, as specified by the ClinGen Lysosomal Diseases Variant Curation Expert Panel (Specifications Version 1.0.0): PVS1, PM2_Supporting, PM3_Moderate, PP4. (Classification approved by the ClinGen Lysosomal Diseases Variant Curation Expert Panel on December 5, 2024)

Natera, Inc.
Classification: Pathogenic for Mucopolysaccharidosis type I. Last evaluated: 2025-08-09. Review status: criteria provided, single submitter. Criteria: Natera Variant Classification Schema (03/2026). Collection method: clinical testing. Allele origin: germline. Not counted in ClinVar's aggregate classification.
Comment: The c.1614delG variant in IDUA is a frameshift variant predicted to shift the reading frame beginning at codon 539 and leads to a stop codon 21 codons downstream. This variant is expected to result in nonsense mediated decay, truncation, or a dysfunctional protein product. This variant is rare in the general population with a frequency below the threshold expected for the associated phenotype(s). This variant has been observed in one or more individuals affected with the associated recessive disease, as either homozygous or compound heterozygous with a second variant (PMID: 15300847). Given the available evidence, this variant is classified as Pathogenic.

Labcorp Genetics (formerly Invitae), Labcorp
Classification: Pathogenic for Mucopolysaccharidosis type 1. Last evaluated: 2024-01-10. Review status: criteria provided, single submitter. Criteria: Invitae Variant Classification Sherloc (09022015). Collection method: clinical testing. Allele origin: germline. Not counted in ClinVar's aggregate classification.
Comment: This sequence change creates a premature translational stop signal (p.His539Thrfs*21) in the IDUA gene. It is expected to result in an absent or disrupted protein product. Loss-of-function variants in IDUA are known to be pathogenic (PMID: 11735025, 21480867). This variant is present in population databases (rs727503967, gnomAD 0.03%). This premature translational stop signal has been observed in individuals with mucopolysaccharidosis type I (PMID: 8213840, 19396826). This variant is also known as delG1702. ClinVar contains an entry for this variant (Variation ID: 167191). For these reasons, this variant has been classified as Pathogenic.

Fulgent Genetics
Classification: Pathogenic for Hurler syndrome; Mucopolysaccharidosis, MPS-I-H/S; Mucopolysaccharidosis, MPS-I-S. Last evaluated: 2022-04-29. Review status: criteria provided, single submitter. Criteria: ACMG Guidelines, 2015. Collection method: clinical testing. Allele origin: unknown. Not counted in ClinVar's aggregate classification.

Revvity Omics, Revvity
Classification: Pathogenic. Last evaluated: 2021-09-29. Review status: criteria provided, single submitter. Criteria: ACMG Guidelines, 2015. Collection method: clinical testing. Allele origin: germline. Not counted in ClinVar's aggregate classification.

Women's Health and Genetics/Laboratory Corporation of America, LabCorp
Classification: Pathogenic for Mucopolysaccharidosis type 1. Last evaluated: 2021-09-03. Review status: criteria provided, single submitter. Criteria: LabCorp Variant Classification Summary - May 2015. Collection method: clinical testing. Allele origin: germline. Not counted in ClinVar's aggregate classification.
Comment: Variant summary: IDUA c.1614delG (p.His539ThrfsX21) results in a premature termination codon, predicted to cause a truncation of the encoded protein or absence of the protein due to nonsense mediated decay, which are commonly known mechanisms for disease. Truncations downstream of this position have been classified as pathogenic by our laboratory. The variant allele was found at a frequency of 1.5e-05 in 137732 control chromosomes. c.1614delG has been reported in the literature in individuals affected with Mucopolysaccharidosis Type 1 (Scott_1993, Vazna_2009). These data indicate that the variant may be associated with disease. Three clinical diagnostic laboratories have submitted clinical-significance assessments for this variant to ClinVar after 2014 without evidence for independent evaluation. All laboratories classified the variant as pathogenic. Based on the evidence outlined above, the variant was classified as pathogenic.

Broad Center for Mendelian Genomics, Broad Institute of MIT and Harvard
Classification: Pathogenic for Mucopolysaccharidosis type 1. Last evaluated: 2020-01-22. Review status: criteria provided, single submitter. Criteria: ACMG Guidelines, 2015. Collection method: curation. Allele origin: germline. Inheritance: Autosomal recessive inheritance. Not counted in ClinVar's aggregate classification.
Comment: The p.His539ThrfsTer21 variant in IDUA has been reported in at least 2 individuals with mucopolysaccharidosis (MPS) (PMID: 19396826, 8213840) and has been identified in 0.012% (1/8140) of Ashkenazi Jewish chromosomes by the Genome Aggregation Database (gnomAD; dbSNP 167191). Although this variant has been seen in the general population, its frequency is low enough to be consistent with a recessive carrier frequency. This variant has also been reported in ClinVar (VariationID: 167191) as pathogenic by EGL Genetic Diagnostics and Counsyl. This variant is predicted to cause a frameshift, which alters the protein's amino acid sequence beginning at position 539 and leads to a premature termination codon 21 amino acids downstream. This alteration is then predicted to lead to a truncated or absent protein. Loss of function of the IDUA gene is an established disease mechanism in autosomal recessive MPS. The presence of this variant in combination with a reported pathogenic variant in an individual with MPS slightly increases the likelihood that the p.His539ThrfsTer21 variant is pathogenic (VariationID: 11909; VariationID: 8213840). The phenotype of an individual compound heterozygous for this variant is highly specific for MPS based on null alpha-L-iduronidase protein activity, consistent with disease (PMID: 8213840). In summary, this variant meets criteria to be classified as pathogenic for MPS in an autosomal recessive manner based on the prediction that it will cause loss of function of the IDUA gene, the presence of the variant in combination with pathogenic variants, and the phenotype of an individual with the variant being highly specific for MPS. ACMG/AMP Criteria applied: PVS1, PM3_supporting, PM2_supporting, PP4 (Richards 2015).

Eurofins Ntd Llc (ga)
Classification: Pathogenic. Last evaluated: 2014-04-21. Review status: criteria provided, single submitter. Criteria: EGL Classification Definitions. Collection method: clinical testing. Allele origin: germline. Observed: 3 variant alleles, 3 heterozygotes. Not counted in ClinVar's aggregate classification.

Counsyl
Classification: Pathogenic for Hurler syndrome. Last evaluated: 2017-08-01. Review status: no assertion criteria provided. Collection method: clinical testing. Allele origin: unknown. Not counted in ClinVar's aggregate classification.

OMIM
Classification: Pathogenic for HURLER SYNDROME. Last evaluated: 1993-11-01. Review status: no assertion criteria provided. Collection method: literature only. Allele origin: germline. Not counted in ClinVar's aggregate classification.

Literature cited by the submitters: PubMed 15300847 (cited by Natera, Inc.); PubMed 11735025 (cited by Labcorp Genetics (formerly Invitae), Labcorp); PubMed 21480867 (cited by Labcorp Genetics (formerly Invitae), Labcorp); PubMed 8213840 (cited by 5 submitters); PubMed 19396826 (cited by 4 submitters).